The following is an entry in ClinVar:

ClinVar aggregate classification (germline): Uncertain significance (1 of 4 stars; one submission).

Submission:

GeneDx
Classification: Uncertain significance. Last evaluated: 2020-07-14. Review status: criteria provided, single submitter. Criteria: GeneDx Variant Classification Process June 2021. Collection method: clinical testing. Allele origin: germline. Affected: yes.
Comment: Not observed in large population cohorts (Lek et al., 2016); In silico analysis supports that this missense variant does not alter protein structure/function; Has not been previously published as pathogenic or benign to our knowledge

NM_001081550.2(THOC2):c.1880G>A (p.Arg627Lys)

Gene: THOC2 (THO complex subunit 2; minus strand). Cytogenetic location: Xq25.
Variant type: single nucleotide variant.
Coding change: c.1880G>A on transcript NM_001081550.2 (MANE Select); coding-DNA position 1880, G replaced by A.
Protein change: p.Arg627Lys; replaces arginine 627 with lysine.
Molecular consequence: missense variant.
Genome position (GRCh38, 1-based): chrX:123,638,084, C>T on the plus strand (G>A on the coding strand, the complement: THOC2 is on the minus strand). VCF-style: chrX-123638084-C-T. GRCh37 (hg19) VCF-style: chrX-122771935-C-T.
Other names: short protein forms R627K.
Identifiers: ClinVar variation 1313087 (VCV001313087.2), dbSNP rs2147667093, ClinGen allele CA414268743.
Genomic context (GRCh38, chrX:123,638,084, plus strand): 5'-GAAAAATAAAAATACTTACTCTGAAGCCAGCTTGAGATGGTTGTGTCATCATGTTTCATT[C>T]TTTCCTTTTCTGGATTAGCTAAAGCTTCAATGATACAATCTTTCATACATTAAGAAAAAA-3'
Protein context (NP_001075019.1, residues 617-637): IEALANPEKE[Arg627Lys]MKHDDTTISS